The following is an entry in ClinVar:

ClinVar aggregate classification (germline): Pathogenic. Review status: criteria provided, multiple submitters, no conflicts (2 of 4 stars). 4 submissions from 4 submitters: Pathogenic (3). 1 of the submissions does not count toward it. Last evaluated 2023-04-11.

Conditions:
Usher syndrome type 2A. Also called: RETINAL DISEASE IN USHER SYNDROME TYPE IIA, MODIFIER OF; USHER SYNDROME, TYPE IIA. Identifiers: Orphanet 231178, Orphanet 886, MedGen C1848634, MONDO:0010169, OMIM 276901.
Usher syndrome type 2. Also called: Usher Syndrome Type II. Identifiers: Orphanet 231178, MedGen C0339534, MONDO:0016484.

Submissions (4):

Genome-Nilou Lab
Classification: Pathogenic for Usher syndrome type 2A. Last evaluated: 2023-04-11. Review status: criteria provided, single submitter. Criteria: ACMG Guidelines, 2015. Collection method: clinical testing. Allele origin: germline. Affected: no.

3billion
Classification: Pathogenic for Usher syndrome type 2A. Last evaluated: 2023-02-23. Review status: criteria provided, single submitter. Criteria: ACMG Guidelines, 2015. Collection method: clinical testing. Allele origin: unknown. Affected: yes.
Comment: The variant is not observed in the gnomAD v2.1.1 dataset. This homozygous variant was predicted to alter splicing and result in a loss or disruption of normal protein function. Multiple pathogenic loss-of-function variants are reported downstream of the variant. Therefore, this variant is classified as Pathogenic according to the recommendation of ACMG/AMP guideline.

Labcorp Genetics (formerly Invitae), Labcorp
Classification: Pathogenic. Last evaluated: 2022-08-13. Review status: criteria provided, single submitter. Criteria: Invitae Variant Classification Sherloc (09022015). Collection method: clinical testing. Allele origin: germline.
Comment: For these reasons, this variant has been classified as Pathogenic. Algorithms developed to predict the effect of sequence changes on RNA splicing suggest that this variant may disrupt the consensus splice site. Disruption of this splice site has been observed in individual(s) with Usher syndrome (PMID: 29625443). This variant is not present in population databases (gnomAD no frequency). This sequence change affects an acceptor splice site in intron 9 of the USH2A gene. It is expected to disrupt RNA splicing. Variants that disrupt the donor or acceptor splice site typically lead to a loss of protein function (PMID: 16199547), and loss-of-function variants in USH2A are known to be pathogenic (PMID: 10729113, 10909849, 20507924, 25649381).

Ophthalmo-Genetics Lab, Instituto de Oftalmologia Conde de Valenciana
Classification: Pathogenic for Usher syndrome type 2. Last evaluated: 2022-11-14. Review status: no assertion criteria provided. Collection method: clinical testing. Allele origin: germline. Inheritance: Autosomal recessive inheritance. Affected: yes. Observed: 1 homozygote. Not counted in ClinVar's aggregate classification.
Comment: Novel pathogenic variant. PP4 (manual), PVS1, PM2.

Literature cited by the submitters: PubMed 29625443 (cited by Labcorp Genetics (formerly Invitae), Labcorp); PubMed 16199547 (cited by Labcorp Genetics (formerly Invitae), Labcorp); PubMed 10729113 (cited by Labcorp Genetics (formerly Invitae), Labcorp); PubMed 10909849 (cited by Labcorp Genetics (formerly Invitae), Labcorp); PubMed 20507924 (cited by Labcorp Genetics (formerly Invitae), Labcorp); PubMed 25649381 (cited by Labcorp Genetics (formerly Invitae), Labcorp); PubMed 35076463 (cited by Ophthalmo-Genetics Lab, Instituto de Oftalmologia Conde de Valenciana).

NM_206933.4(USH2A):c.1645-2A>G

Gene: USH2A (usherin; minus strand). Cytogenetic location: 1q41.
Variant type: single nucleotide variant.
Coding change: c.1645-2A>G on transcript NM_206933.4 (MANE Select); the canonical splice acceptor site of the intron before coding-DNA position 1645, A replaced by G.
Molecular consequence: splice acceptor variant.
Genome position (GRCh38, 1-based): chr1:216,292,372, T>C on the plus strand (A>G on the coding strand, the complement: USH2A is on the minus strand). VCF-style: chr1-216292372-T-C. GRCh37 (hg19) VCF-style: chr1-216465714-T-C.
Other names: c.1645-2A>G (NM_007123.6).
Identifiers: ClinVar variation 1727006 (VCV001727006.8), dbSNP rs2528257197, ClinGen allele CA344903665.